The following is an entry in ClinVar:

NM_001382391.1(CSPP1):c.1153G>T (p.Glu385Ter)

Gene: CSPP1 (centrosome and spindle pole associated protein 1; plus strand). Cytogenetic location: 8q13.2.
Variant type: single nucleotide variant.
Coding change: c.1153G>T on transcript NM_001382391.1 (MANE Select); coding-DNA position 1153, G replaced by T.
Protein change: p.Glu385Ter; replaces glutamic acid 385 with a stop codon.
Molecular consequence: nonsense.
Genome position (GRCh38, 1-based): chr8:67,112,031, G>T. VCF-style: chr8-67112031-G-T. GRCh37 (hg19) VCF-style: chr8-68024266-G-T.
Other names: c.298G>T, p.Glu100Ter (NM_001291339.2); c.1072G>T, p.Glu358Ter (NM_001363131.2, NM_001363133.2); c.1153G>T, p.Glu385Ter (NM_001363132.2); c.1261G>T, p.Glu421Ter (NM_001364869.1); c.1081G>T, p.Glu361Ter (NM_001364870.1); c.1180G>T, p.Glu394Ter (NM_024790.7); short protein forms E394*, E100*, E421*, E385*, E358*, E361*.
Identifiers: ClinVar variation 289003 (VCV000289003.11), dbSNP rs886044058, ClinGen allele CA10606295.
Genomic context (GRCh38, chr8:67,112,031, plus strand): 5'-GGAGGTGAAGATCGAGAACTTATTCAGAGAAGGAAAGAGAAATACAGACTAGAACTGTTG[G>T]AACAAATGGCTGAGCAACAGAGGAACAAGAGACGGTAATGAAAGGTTTGCATTTAAAAGA-3'

ClinVar aggregate classification (germline): Pathogenic. Review status: criteria provided, multiple submitters, no conflicts (2 of 4 stars). 3 submissions from 3 submitters: Pathogenic (3). Last evaluated 2024-10-16.

Conditions:
Joubert syndrome 21 (JBTS21). Identifiers: MedGen C3810212, MONDO:0014288, OMIM 615636.

Allele frequency attached by ClinVar (database versions not stated): gnomAD exomes below 0.00001.
gnomAD v4.1: 1 of 1,611,992 alleles (0.000062%); highest among the groups gnomAD compares: Non-Finnish European, 0.000085%; no homozygotes.

Submissions (3):

Labcorp Genetics (formerly Invitae), Labcorp
Classification: Pathogenic for Joubert syndrome 21. Last evaluated: 2024-10-16. Review status: criteria provided, single submitter. Criteria: Invitae Variant Classification Sherloc (09022015). Collection method: clinical testing. Allele origin: germline.
Comment: This sequence change creates a premature translational stop signal (p.Glu394*) in the CSPP1 gene. It is expected to result in an absent or disrupted protein product. Loss-of-function variants in CSPP1 are known to be pathogenic (PMID: 24360807, 24360808). This variant is not present in population databases (gnomAD no frequency). This variant has not been reported in the literature in individuals affected with CSPP1-related conditions. ClinVar contains an entry for this variant (Variation ID: 289003). For these reasons, this variant has been classified as Pathogenic.

GeneDx
Classification: Pathogenic. Last evaluated: 2017-01-27. Review status: criteria provided, single submitter. Criteria: GeneDx Variant Classification (06012015). Collection method: clinical testing. Allele origin: germline. Affected: yes.
Comment: The E394X pathogenic variant in the CSPP1 gene has not been reported previously as a pathogenic variant, nor as a benign variant, to our knowledge. This variant is predicted to cause loss of normal protein function either through protein truncation or nonsense-mediated mRNA decay. The E394X variant was not observed in approximately 6,000 individuals of European and African American ancestry in the NHLBI Exome Sequencing Project, indicating it is not a common benign variant in these populations. It is reported as pathogenic in ClinVar by a different clinical laboratory, but additional evidence is not available (ClinVar SCV000343268.1; Landrum et al., 2015). We interpret E394X as a pathogenic variant.

Eurofins Ntd Llc (ga)
Classification: Pathogenic. Last evaluated: 2016-06-22. Review status: criteria provided, single submitter. Criteria: EGL Classification Definitions 2015. Collection method: clinical testing. Allele origin: germline. Observed: 1 variant allele, 1 heterozygote.

Literature cited by the submitters: PubMed 24360807 (cited by Labcorp Genetics (formerly Invitae), Labcorp); PubMed 24360808 (cited by Labcorp Genetics (formerly Invitae), Labcorp).